The following is an entry in ClinVar:

NM_006087.4(TUBB4A):c.343G>A (p.Ala115Thr)

Gene: TUBB4A (tubulin beta 4A class IVa; minus strand). Cytogenetic location: 19p13.3.
Variant type: single nucleotide variant.
Coding change: c.343G>A on transcript NM_006087.4 (MANE Select); coding-DNA position 343, G replaced by A.
Protein change: p.Ala115Thr; replaces alanine 115 with threonine.
Molecular consequence: missense variant.
Genome position (GRCh38, 1-based): chr19:6,496,156, C>T on the plus strand (G>A on the coding strand, the complement: TUBB4A is on the minus strand). VCF-style: chr19-6496156-C-T. GRCh37 (hg19) VCF-style: chr19-6496167-C-T.
Other names: c.496G>A, p.Ala166Thr (NM_001289123.2); c.478G>A, p.Ala160Thr (NM_001289127.2); c.343G>A, p.Ala115Thr (NM_001289129.2); c.127G>A, p.Ala43Thr (NM_001289130.2, NM_001289131.2); short protein forms A115T, A160T, A43T, A166T.
Identifiers: ClinVar variation 2904376 (VCV002904376.4), dbSNP rs1399440240, ClinGen allele CA403592725.

ClinVar aggregate classification (germline): Uncertain significance. Review status: criteria provided, multiple submitters, no conflicts (2 of 4 stars). 2 submissions from 2 submitters: Uncertain significance (2). Last evaluated 2023-05-10.

Conditions:
Leukodystrophy, hypomyelinating, 6. Also called: Hypomyelination with Atrophy of Basal Ganglia and Cerebellum (H-ABC); LEUKODYSTROPHY, HYPOMYELINATING, WITH ATROPHY OF THE BASAL GANGLIA AND CEREBELLUM; TUBB4A-Associated Leukodystrophy. Identifiers: Orphanet 139441, MedGen C2676244, MONDO:0012905, OMIM 612438.

Allele frequency attached by ClinVar (database versions not stated): gnomAD exomes 0.00001; TOPMed 0.00001; gnomAD 0.00002.
gnomAD v4.1: 13 of 1,614,040 alleles (0.00081%); highest among the groups gnomAD compares: African/African-American, 0.004%; no homozygotes.

Submissions (2):

Labcorp Genetics (formerly Invitae), Labcorp
Classification: Uncertain significance for Leukodystrophy, hypomyelinating, 6. Last evaluated: 2023-05-10. Review status: criteria provided, single submitter. Criteria: Invitae Variant Classification Sherloc (09022015). Collection method: clinical testing. Allele origin: germline.
Comment: In summary, the available evidence is currently insufficient to determine the role of this variant in disease. Therefore, it has been classified as a Variant of Uncertain Significance. Advanced modeling of protein sequence and biophysical properties (such as structural, functional, and spatial information, amino acid conservation, physicochemical variation, residue mobility, and thermodynamic stability) performed at Invitae indicates that this missense variant is not expected to disrupt TUBB4A protein function. This sequence change replaces alanine, which is neutral and non-polar, with threonine, which is neutral and polar, at codon 115 of the TUBB4A protein (p.Ala115Thr). This variant has not been reported in the literature in individuals affected with TUBB4A-related conditions. This variant is present in population databases (no rsID available, gnomAD 0.003%).

Blueprint Genetics
Classification: Uncertain significance. Last evaluated: 2021-02-26. Review status: criteria provided, single submitter. Criteria: ACMG Guidelines, 2015. Collection method: clinical testing. Allele origin: germline.